The following is an entry in ClinVar:

NM_052876.4(NACC1):c.821G>A (p.Ser274Asn)

Gene: NACC1 (nucleus accumbens associated 1; plus strand). Cytogenetic location: 19p13.13.
Variant type: single nucleotide variant.
Coding change: c.821G>A on transcript NM_052876.4 (MANE Select); coding-DNA position 821, G replaced by A.
Protein change: p.Ser274Asn; replaces serine 274 with asparagine.
Molecular consequence: missense variant.
Genome position (GRCh38, 1-based): chr19:13,136,028, G>A. VCF-style: chr19-13136028-G-A. GRCh37 (hg19) VCF-style: chr19-13246842-G-A.
Other names: short protein forms S274N.
Identifiers: ClinVar variation 3774131 (VCV003774131.1).
Genomic context (GRCh38, chr19:13,136,028, plus strand): 5'-GTGGGCCCAGCACGTCGGAGCGGACCAGCCCAGGCACCTCAAGCGCCTACACCAGCGACA[G>A]CCCTGGCTCCTACCACAATGAGGAGGACGAGGAGGAGGATGGTGGCGAGGAGGGCATGGA-3'
Protein context (NP_443108.1, residues 264-284): PGTSSAYTSD[Ser274Asn]PGSYHNEEDE

ClinVar aggregate classification (germline): Uncertain significance (1 of 4 stars; one submission).

Submission:

GeneDx
Classification: Uncertain significance. Last evaluated: 2024-09-20. Review status: criteria provided, single submitter. Criteria: GeneDx Variant Classification Process June 2021. Collection method: clinical testing. Allele origin: germline. Affected: yes.
Comment: Not observed at significant frequency in large population cohorts (gnomAD); In silico analysis indicates that this missense variant does not alter protein structure/function; Has not been previously published as pathogenic or benign to our knowledge